The following is an entry in ClinVar:

ClinVar aggregate classification (germline): Uncertain significance. Review status: criteria provided, multiple submitters, no conflicts (2 of 4 stars). 2 submissions from 2 submitters: Uncertain significance (2). Last evaluated 2023-06-08.

Allele frequency attached by ClinVar (database versions not stated): gnomAD 0.00004; TOPMed 0.00006; gnomAD exomes 0.00007 and 0.00014; ExAC 0.00022.
gnomAD v4.1: 109 of 1,613,742 alleles (0.0068%); highest among the groups gnomAD compares: Non-Finnish European, 0.0074%; no homozygotes.

Submissions (2):

Blueprint Genetics
Classification: Uncertain significance. Last evaluated: 2023-06-08. Review status: criteria provided, single submitter. Criteria: ACMG Guidelines, 2015. Collection method: clinical testing. Allele origin: germline.

Labcorp Genetics (formerly Invitae), Labcorp
Classification: Uncertain significance. Last evaluated: 2022-08-08. Review status: criteria provided, single submitter. Criteria: Invitae Variant Classification Sherloc (09022015). Collection method: clinical testing. Allele origin: germline.
Comment: This sequence change replaces arginine, which is basic and polar, with glutamine, which is neutral and polar, at codon 439 of the GRM6 protein (p.Arg439Gln). This variant is present in population databases (rs775721358, gnomAD 0.03%). This variant has not been reported in the literature in individuals affected with GRM6-related conditions. ClinVar contains an entry for this variant (Variation ID: 934383). Advanced modeling of protein sequence and biophysical properties (such as structural, functional, and spatial information, amino acid conservation, physicochemical variation, residue mobility, and thermodynamic stability) performed at Invitae indicates that this missense variant is not expected to disrupt GRM6 protein function. Algorithms developed to predict the effect of sequence changes on RNA splicing suggest that this variant may create or strengthen a splice site. In summary, the available evidence is currently insufficient to determine the role of this variant in disease. Therefore, it has been classified as a Variant of Uncertain Significance.

NM_000843.4(GRM6):c.1316G>A (p.Arg439Gln)

Genes: GRM6 (glutamate metabotropic receptor 6; minus strand), ZNF454 (zinc finger protein 454; plus strand). Cytogenetic location: 5q35.3.
Variant type: single nucleotide variant.
Coding change: c.1316G>A on transcript NM_000843.4 (MANE Select); coding-DNA position 1316, G replaced by A.
Protein change: p.Arg439Gln; replaces arginine 439 with glutamine.
Molecular consequence: missense variant.
Genome position (GRCh38, 1-based): chr5:178,988,973, C>T on the plus strand (G>A on the coding strand, the complement: GRM6 is on the minus strand). VCF-style: chr5-178988973-C-T. GRCh37 (hg19) VCF-style: chr5-178415974-C-T.
Other names: short protein forms R439Q.
Identifiers: ClinVar variation 934383 (VCV000934383.8), dbSNP rs775721358, ClinGen allele CA3594126.